The following is an entry in ClinVar:

ClinVar aggregate classification (germline): Uncertain significance (1 of 4 stars; one submission).

Conditions:
Glycogen storage disease, type IV (GSD4). Also called: AMYLOPECTINOSIS; ANDERSEN DISEASE; BRANCHER DEFICIENCY; CIRRHOSIS, FAMILIAL, WITH DEPOSITION OF ABNORMAL GLYCOGEN; GBE1 DEFICIENCY; GLYCOGEN BRANCHING ENZYME DEFICIENCY. Identifiers: Orphanet 367, MedGen C0017923, MONDO:0009292, OMIM 232500.
Glycogen storage disease IV, classic hepatic. Also called: GSD IV, CLASSIC HEPATIC. Identifiers: MedGen C1856301.

Allele frequency attached by ClinVar (database versions not stated): gnomAD exomes below 0.00001; ExAC 0.00001.
gnomAD v4.1: 2 of 1,609,216 alleles (0.00012%); highest among the groups gnomAD compares: Admixed American, 0.0017%; no homozygotes.

Submission:

Labcorp Genetics (formerly Invitae), Labcorp
Classification: Uncertain significance for Glycogen storage disease, type IV; Glycogen storage disease IV, classic hepatic. Last evaluated: 2022-03-08. Review status: criteria provided, single submitter. Criteria: Invitae Variant Classification Sherloc (09022015). Collection method: clinical testing. Allele origin: germline.
Comment: This variant is present in population databases (rs751466558, gnomAD 0.003%). This sequence change replaces threonine, which is neutral and polar, with serine, which is neutral and polar, at codon 510 of the GBE1 protein (p.Thr510Ser). In summary, the available evidence is currently insufficient to determine the role of this variant in disease. Therefore, it has been classified as a Variant of Uncertain Significance. Algorithms developed to predict the effect of sequence changes on RNA splicing suggest that this variant may create or strengthen a splice site. Advanced modeling of protein sequence and biophysical properties (such as structural, functional, and spatial information, amino acid conservation, physicochemical variation, residue mobility, and thermodynamic stability) performed at Invitae indicates that this missense variant is not expected to disrupt GBE1 protein function. This variant has not been reported in the literature in individuals affected with GBE1-related conditions.

NM_000158.4(GBE1):c.1528A>T (p.Thr510Ser)

Gene: GBE1 (1,4-alpha-glucan branching enzyme 1; minus strand). Cytogenetic location: 3p12.2.
Variant type: single nucleotide variant.
Coding change: c.1528A>T on transcript NM_000158.4 (MANE Select); coding-DNA position 1528, A replaced by T.
Protein change: p.Thr510Ser; replaces threonine 510 with serine.
Molecular consequence: missense variant.
Genome position (GRCh38, 1-based): chr3:81,578,015, T>A on the plus strand (A>T on the coding strand, the complement: GBE1 is on the minus strand). VCF-style: chr3-81578015-T-A. GRCh37 (hg19) VCF-style: chr3-81627166-T-A.
Other names: short protein forms T510S.
Identifiers: ClinVar variation 1417572 (VCV001417572.6), dbSNP rs751466558, ClinGen allele CA2499631.